The following is an entry in ClinVar:

NM_007294.4(BRCA1):c.213-3C>A

Gene: BRCA1 (BRCA1 DNA repair associated; minus strand). Cytogenetic location: 17q21.31.
Variant type: single nucleotide variant.
Coding change: c.213-3C>A on transcript NM_007294.4 (MANE Select); 3 bases into the intron before coding-DNA position 213, C replaced by A.
Molecular consequence: intron variant.
Genome position (GRCh38, 1-based): chr17:43,104,959, G>T on the plus strand (C>A on the coding strand, the complement: BRCA1 is on the minus strand). VCF-style: chr17-43104959-G-T. GRCh37 (hg19) VCF-style: chr17-41256976-G-T.
Other names: c.135-3C>A (NM_001408409.1, NM_001407663.1, NM_001407658.1 and 21 more transcripts); c.3-3C>A (NM_001407958.1, NM_001407955.1, NM_001408493.1 and 58 more transcripts); c.213-3C>A (NM_001407646.1, NM_001408445.1, NM_001408432.1 and 167 more transcripts); c.-169-3C>A (NM_001407965.1, NM_001407959.1, NM_001407962.1 and 4 more transcripts); c.72-3C>A (NM_001407930.1, NM_001407843.1, NM_001408456.1 and 99 more transcripts); c.-218-10099C>A (NM_001407967.1, NM_001407966.1); c.81-3C>A (NM_001408451.1).
Identifiers: ClinVar variation 865564 (VCV000865564.3), dbSNP rs80358119, ClinGen allele CA916080843.

Conditions:
Breast-ovarian cancer, familial, susceptibility to, 1 (BROVCA1). Also called: BRCA1 Hereditary Breast and Ovarian Cancer; OVARIAN CANCER, SUSCEPTIBILITY TO. Identifiers: Orphanet 145, MedGen C2676676, MONDO:0011450, OMIM 604370. Disease mechanism: loss of function.

Allele frequency attached by ClinVar (database versions not stated): gnomAD exomes below 0.00001.
gnomAD v4.1: 1 of 1,611,794 alleles (0.000062%); highest among the groups gnomAD compares: Non-Finnish European, 0.000085%; no homozygotes.

Submission:

Brotman Baty Institute, University of Washington
No classification provided (evidence only). Condition: Breast-ovarian cancer, familial 1. Review status: no classification provided. Collection method: in vitro. Allele origin: not applicable. Functional consequence: functionally_abnormal.
ClinVar note: "not provided" was previously submitted as the classification for the variant. However, the classification appeared to be based only on an observation of functional data so it was converted to no classification on 2025-07-30.